The following is an entry in ClinVar:

NM_000363.5(TNNI3):c.168T>G (p.Ile56Met)

Gene: TNNI3 (troponin I3, cardiac type; minus strand). Cytogenetic location: 19q13.42.
Variant type: single nucleotide variant.
Coding change: c.168T>G on transcript NM_000363.5 (MANE Select); coding-DNA position 168, T replaced by G.
Protein change: p.Ile56Met; replaces isoleucine 56 with methionine.
Molecular consequence: missense variant.
Genome position (GRCh38, 1-based): chr19:55,156,315, A>C on the plus strand (T>G on the coding strand, the complement: TNNI3 is on the minus strand). VCF-style: chr19-55156315-A-C. GRCh37 (hg19) VCF-style: chr19-55667683-A-C.
Other names: short protein forms I56M.
Identifiers: ClinVar variation 165525 (VCV000165525.11), dbSNP rs727503509, ClinGen allele CA021335.

ClinVar aggregate classification (germline): Uncertain significance. Review status: criteria provided, multiple submitters, no conflicts (2 of 4 stars). 3 submissions from 3 submitters: Uncertain significance (3). Last evaluated 2025-12-16.

Conditions:
Cardiovascular phenotype. Identifiers: MedGen CN230736.
Hypertrophic cardiomyopathy. Also called: HYPERTROPHIC MYOCARDIOPATHY. Identifiers: Orphanet 217569, MedGen C0007194, MeSH D002312, MONDO:0005045, HP:0001639.

Allele frequency attached by ClinVar (database versions not stated): TOPMed below 0.00001; gnomAD exomes 0.00001 and 0.00002.
gnomAD v4.1: 5 of 1,609,708 alleles (0.00031%); highest among the groups gnomAD compares: Admixed American, 0.0084%; no homozygotes.

Submissions (3):

Ambry Genetics
Classification: Uncertain significance for Cardiovascular phenotype. Last evaluated: 2025-12-16. Review status: criteria provided, single submitter. Criteria: Ambry Variant Classification Scheme 2023. Collection method: clinical testing. Allele origin: germline.

Labcorp Genetics (formerly Invitae), Labcorp
Classification: Uncertain significance for Hypertrophic cardiomyopathy. Last evaluated: 2022-10-28. Review status: criteria provided, single submitter. Criteria: Invitae Variant Classification Sherloc (09022015). Collection method: clinical testing. Allele origin: germline.
Comment: In summary, the available evidence is currently insufficient to determine the role of this variant in disease. Therefore, it has been classified as a Variant of Uncertain Significance. Algorithms developed to predict the effect of missense changes on protein structure and function output the following: SIFT: "Deleterious"; PolyPhen-2: "Possibly Damaging"; Align-GVGD: "Class C0". The methionine amino acid residue is found in multiple mammalian species, which suggests that this missense change does not adversely affect protein function. This sequence change replaces isoleucine, which is neutral and non-polar, with methionine, which is neutral and non-polar, at codon 56 of the TNNI3 protein (p.Ile56Met). This variant is present in population databases (rs727503509, gnomAD 0.009%). This variant has not been reported in the literature in individuals affected with TNNI3-related conditions. ClinVar contains an entry for this variant (Variation ID: 165525).

Laboratory for Molecular Medicine, Mass General Brigham Personalized Medicine
Classification: Uncertain significance. Last evaluated: 2015-01-29. Review status: criteria provided, single submitter. Criteria: LMM Criteria. Collection method: clinical testing. Allele origin: germline. Observed: 2 variant alleles.
Comment: Variant classified as Uncertain Significance - Favor Benign. The p.Ile56Met vari ant in TNNI3 has not been previously reported in any other families with cardiom yopathy. Data from large population studies is insufficient to assess the freque ncy of this variant. Isoleucine (Ile) at position 56 is not conserved in mammals or evolutionarily distant species, and three mammals (squirrel, hedgehog and aa rdvark) has a methionine (Met) at this position, suggesting that this change is tolerated. In addition, the change to methionine was predicted to be benign usin g a computational tool clinically validated by our laboratory. This tool's benig n prediction is estimated to be correct 89% of the time (Jordan 2011). In summar y, while the clinical significance of the p.Ile56Met variant is uncertain, these data suggest that it is more likely to be benign.